The following is an entry in ClinVar:

NM_004281.4(BAG3):c.30G>A (p.Met10Ile)

Gene: BAG3 (BAG cochaperone 3; plus strand). Cytogenetic location: 10q26.11.
Variant type: single nucleotide variant.
Coding change: c.30G>A on transcript NM_004281.4 (MANE Select); coding-DNA position 30, G replaced by A.
Protein change: p.Met10Ile; replaces methionine 10 with isoleucine.
Molecular consequence: missense variant.
Genome position (GRCh38, 1-based): chr10:119,651,705, G>A. VCF-style: chr10-119651705-G-A. GRCh37 (hg19) VCF-style: chr10-121411217-G-A.
Other names: short protein forms M10I.
Identifiers: ClinVar variation 965510 (VCV000965510.10), dbSNP rs1275338906, ClinGen allele CA378294025.

ClinVar aggregate classification (germline): Uncertain significance. Review status: criteria provided, multiple submitters, no conflicts (2 of 4 stars). 2 submissions from 2 submitters: Uncertain significance (2). Last evaluated 2026-02-01.

Conditions:
Myofibrillar myopathy 6. Identifiers: Orphanet 199340, MedGen C2751831, MONDO:0013061, OMIM 612954.
Dilated cardiomyopathy 1HH (CMD1HH). Identifiers: Orphanet 154, MedGen C3151293, MONDO:0013479, OMIM 613881.

Allele frequency attached by ClinVar (database versions not stated): gnomAD exomes below 0.00001.

Submissions (2):

Labcorp Genetics (formerly Invitae), Labcorp
Classification: Uncertain significance for Dilated cardiomyopathy 1HH; Myofibrillar myopathy 6. Last evaluated: 2026-02-01. Review status: criteria provided, single submitter. Criteria: Invitae Variant Classification Sherloc (09022015). Collection method: clinical testing. Allele origin: germline.
Comment: This sequence change replaces methionine, which is neutral and non-polar, with isoleucine, which is neutral and non-polar, at codon 10 of the BAG3 protein (p.Met10Ile). The frequency data for this variant in the population databases is considered unreliable, as metrics indicate poor data quality at this position in the gnomAD database. This variant has not been reported in the literature in individuals affected with BAG3-related conditions. ClinVar contains an entry for this variant (Variation ID: 965510). An algorithm developed to predict the effect of missense changes on protein structure and function (PolyPhen-2) suggests that this variant is likely to be tolerated. In summary, the available evidence is currently insufficient to determine the role of this variant in disease. Therefore, it has been classified as a Variant of Uncertain Significance.

Neuberg Centre For Genomic Medicine, NCGM
Classification: Uncertain significance for Myofibrillar myopathy 6. Last evaluated: 2023-05-20. Review status: criteria provided, single submitter. Criteria: ACMG Guidelines, 2015. Collection method: clinical testing. Allele origin: germline. Inheritance: Autosomal dominant inheritance. Affected: yes.
Comment: The missense variant c.30G>A (p.Met10Ile) in the BAG3 gene has not been reported previously as a pathogenic variant nor as a benign variant, to our knowledge. This variant is reported with the allele frequency (0.0004%) in the gnomAD Exomes. This variant has been reported to the ClinVar database as Uncertain Significance. However, no details are available for independent assessment. The amino acid Methionine at position 10 is changed to a Isoleucine changing protein sequence and it might alter its composition and physico- chemical properties. Computational evidence (Polyphen, SIFT and MutationTaster) predicts conflicting evidence on protein structure and function for this variant. The amino acid change p.Met10Ile in BAG3 is predicted as conserved by GERP++ and PhyloP across 100 vertebrates. For these reasons, this variant has been classified as Uncertain Significance.